The following is an entry in ClinVar:

ClinVar aggregate classification (germline): Pathogenic (1 of 4 stars; one submission).

Submission:

GeneDx
Classification: Pathogenic. Last evaluated: 2017-10-25. Review status: criteria provided, single submitter. Criteria: GeneDx Variant Classification (06012015). Collection method: clinical testing. Allele origin: germline. Affected: yes.
Comment: The c.1357_1373del17 pathogenic variant in the KCNQ2 gene causes a frameshift starting with codon Lysine 453, changes this amino acid to an Alanine residue, and creates a premature Stop codonat position 62 of the new reading frame, denoted p.Lys453AlafsX62. This pathogenic variant is predicted to cause loss of normal protein function either through protein truncation or nonsense-mediated mRNA decay. The c.1357_1373del17 variant is not observed in large population cohorts (Lek et al., 2016). Although this pathogenic variant has not been previously reported to our knowledge, other loss-of-function variants in KCNQ2 have been reported in the Human GeneMutation Database in association with KCNQ2-related disorders (Stenson et al., 2014).

NM_172107.4(KCNQ2):c.1357_1373del (p.Lys453fs)

Gene: KCNQ2 (potassium voltage-gated channel subfamily Q member 2; minus strand). Cytogenetic location: 20q13.33.
Variant type: Deletion.
Coding change: c.1357_1373del on transcript NM_172107.4 (MANE Select); coding-DNA positions 1357 to 1373, 17 bases deleted (AAGGGGAAGGGGTCCCC).
Protein change: p.Lys453fs; shifts the reading frame from lysine 453.
Molecular consequence: frameshift variant.
Genome position (GRCh38, 1-based): chr20:63,415,055-63,415,071, GGGGACCCCTTCCCCTT deleted on the plus strand (AAGGGGAAGGGGTCCCC on the coding strand, the reverse complement: KCNQ2 is on the minus strand); deleting any 17 consecutive bases within chr20:63,415,055-63,415,073 gives the same sequence; the c. name uses the placement nearest the transcript's 3' end. VCF-style (leftmost placement, unchanged base first): chr20-63415054-CGGGGACCCCTTCCCCTT-C. GRCh37 (hg19) VCF-style: chr20-62046407-CGGGGACCCCTTCCCCTT-C.
Other names: c.1273_1289del, p.Lys425fs (NM_004518.6); c.1303_1319del, p.Lys435fs (NM_172106.3); c.1267_1283del, p.Lys423fs (NM_172108.5); short protein forms K423fs, K425fs, K435fs, K453fs.
Identifiers: ClinVar variation 453053 (VCV000453053.2), dbSNP rs1555854643, ClinGen allele CA658658884.
Genomic context (GRCh38, chr20:63,415,054, plus strand): 5'-GCTGGGGCTGTCCTCGAGGCTCTGGTCGGCGCTGGGTGACCGCCTCACAGTCTGGGCCTG[CGGGGACCCCTTCCCCTT>C]GGCAGCCACGCCTCGGGGGCTGGAGAAGACACGATCTTTCAAACTGACCTTCTGGCTGCT-3'